The following is an entry in ClinVar:

ClinVar aggregate classification (germline): Likely benign (1 of 4 stars; one submission).

Allele frequency attached by ClinVar (database versions not stated): gnomAD exomes 0.00003 and 0.00012; gnomAD 0.00006 and 0.00008; TOPMed 0.00006; 1000 Genomes Project 0.00020; 1000 Genomes Project 30x 0.00031.

Submission:

GeneDx
Classification: Likely benign. Last evaluated: 2017-03-20. Review status: criteria provided, single submitter. Criteria: GeneDx Variant Classification (06012015). Collection method: clinical testing. Allele origin: germline. Affected: yes.
Comment: This variant is considered likely benign or benign based on one or more of the following criteria: it is a conservative change, it occurs at a poorly conserved position in the protein, it is predicted to be benign by multiple in silico algorithms, and/or has population frequency not consistent with disease.

NM_002408.4(MGAT2):c.120G>T (p.Pro40=)

Gene: MGAT2 (alpha-1,6-mannosyl-glycoprotein 2-beta-N-acetylglucosaminyltransferase; plus strand). Cytogenetic location: 14q21.3.
Variant type: single nucleotide variant.
Coding change: c.120G>T on transcript NM_002408.4 (MANE Select); coding-DNA position 120, G replaced by T.
Protein change: p.Pro40=; no amino-acid change (proline 40 retained).
Molecular consequence: synonymous variant.
Genome position (GRCh38, 1-based): chr14:49,621,388, G>T. VCF-style: chr14-49621388-G-T. GRCh37 (hg19) VCF-style: chr14-50088106-G-T.
Identifiers: ClinVar variation 386928 (VCV000386928.1), dbSNP rs199617945, ClinGen allele CA16606555.